The following is an entry in ClinVar:

ClinVar aggregate classification (germline): Uncertain significance (1 of 4 stars; one submission).

Submission:

Labcorp Genetics (formerly Invitae), Labcorp
Classification: Uncertain significance. Last evaluated: 2023-12-20. Review status: criteria provided, single submitter. Criteria: Invitae Variant Classification Sherloc (09022015). Collection method: clinical testing. Allele origin: germline.
Comment: This sequence change replaces threonine, which is neutral and polar, with isoleucine, which is neutral and non-polar, at codon 1657 of the CACNA1D protein (p.Thr1657Ile). This variant is not present in population databases (gnomAD no frequency). This variant has not been reported in the literature in individuals affected with CACNA1D-related conditions. Advanced modeling of protein sequence and biophysical properties (such as structural, functional, and spatial information, amino acid conservation, physicochemical variation, residue mobility, and thermodynamic stability) performed at Invitae indicates that this missense variant is not expected to disrupt CACNA1D protein function with a negative predictive value of 80%. In summary, the available evidence is currently insufficient to determine the role of this variant in disease. Therefore, it has been classified as a Variant of Uncertain Significance.

NM_001128840.3(CACNA1D):c.4910C>T (p.Thr1637Ile)

Gene: CACNA1D (calcium voltage-gated channel subunit alpha1 D; plus strand). Cytogenetic location: 3p21.1.
Variant type: single nucleotide variant.
Coding change: c.4910C>T on transcript NM_001128840.3 (MANE Select); coding-DNA position 4910, C replaced by T.
Protein change: p.Thr1637Ile; replaces threonine 1637 with isoleucine.
Molecular consequence: missense variant.
Genome position (GRCh38, 1-based): chr3:53,786,939, C>T. VCF-style: chr3-53786939-C-T. GRCh37 (hg19) VCF-style: chr3-53820966-C-T.
Other names: c.4970C>T, p.Thr1657Ile (NM_000720.4); c.4865C>T, p.Thr1622Ile (NM_001128839.3); short protein forms T1657I, T1622I, T1637I.
Identifiers: ClinVar variation 2704446 (VCV002704446.3), dbSNP rs867623532, ClinGen allele CA353247385.